The following is an entry in ClinVar:

ClinVar aggregate classification (germline): Uncertain significance. Review status: criteria provided, multiple submitters, no conflicts (2 of 4 stars). 4 submissions from 4 submitters: Uncertain significance (4). Last evaluated 2025-09-20.

Conditions:
Familial thoracic aortic aneurysm and aortic dissection (TAAD). Also called: Thoracic aortic aneurysms and dissections. Identifiers: Orphanet 91387, MedGen C4707243, MONDO:0019625.
Aortic aneurysm, familial thoracic 4 (AAT4). Also called: AORTIC ANEURYSM/AORTIC DISSECTION AND PATENT DUCTUS ARTERIOSUS. Identifiers: MedGen C1851504, MONDO:0007568, OMIM 132900.

Allele frequency attached by ClinVar (database versions not stated): gnomAD 0.00001; TOPMed 0.00001.
gnomAD v4.1: 12 of 1,614,078 alleles (0.00074%); highest among the groups gnomAD compares: Middle Eastern, 0.016%; no homozygotes.

Submissions (4):

Labcorp Genetics (formerly Invitae), Labcorp
Classification: Uncertain significance for Aortic aneurysm, familial thoracic 4. Last evaluated: 2025-09-20. Review status: criteria provided, single submitter. Criteria: Invitae Variant Classification Sherloc (09022015). Collection method: clinical testing. Allele origin: germline.
Comment: This sequence change replaces glutamic acid, which is acidic and polar, with lysine, which is basic and polar, at codon 512 of the MYH11 protein (p.Glu512Lys). This variant is present in population databases (no rsID available, gnomAD 0.0009%). This variant has not been reported in the literature in individuals affected with MYH11-related conditions. ClinVar contains an entry for this variant (Variation ID: 924273). Invitae Evidence Modeling of protein sequence and biophysical properties (such as structural, functional, and spatial information, amino acid conservation, physicochemical variation, residue mobility, and thermodynamic stability) indicates that this missense variant is not expected to disrupt MYH11 protein function with a negative predictive value of 95%. In summary, the available evidence is currently insufficient to determine the role of this variant in disease. Therefore, it has been classified as a Variant of Uncertain Significance.

Color Diagnostics, LLC DBA Color Health
Classification: Uncertain significance for Familial thoracic aortic aneurysm and aortic dissection. Last evaluated: 2024-01-16. Review status: criteria provided, single submitter. Criteria: ACMG Guidelines, 2015. Collection method: clinical testing. Allele origin: germline.
Comment: This missense variant replaces glutamic acid with lysine at codon 512 of the MYH11 protein. Computational prediction tools indicate that this variant has a deleterious impact on protein structure and function. To our knowledge, functional studies have not been reported for this variant. This variant has not been reported in individuals affected with MYH11-related disorders in the literature. This variant has been identified in 1/251458 chromosomes in the general population by the Genome Aggregation Database (gnomAD). The available evidence is insufficient to determine the role of this variant in disease conclusively. Therefore, this variant is classified as a Variant of Uncertain Significance.

All of Us Research Program, National Institutes of Health
Classification: Uncertain significance for Familial thoracic aortic aneurysm and aortic dissection. Last evaluated: 2022-11-28. Review status: criteria provided, single submitter. Criteria: ACMG Guidelines, 2015. Collection method: clinical testing. Allele origin: germline. Inheritance: Autosomal dominant inheritance. Observed: 1 variant allele, 1 heterozygote.
Comment: This missense variant replaces glutamic acid with lysine at codon 512 of the MYH11 protein. Computational prediction suggests that this variant may have deleterious impact on protein structure and function (internally defined REVEL score threshold >= 0.7, PMID: 27666373). Splice site prediction tools suggest that this variant may not impact RNA splicing. To our knowledge, functional studies have not been performed for this variant. This variant has not been reported in individuals affected with cardiovascular disorders in the literature. This variant has been identified in 1/251458 chromosomes in the general population by the Genome Aggregation Database (gnomAD). The available evidence is insufficient to determine the role of this variant in disease conclusively. Therefore, this variant is classified as a Variant of Uncertain Significance.

This study involves interpretation of variants in research participants for the purpose of population health screening. Participant phenotype was not available at the time of variant classification. Additional details can be found in publication PMID: 35346344, PMCID: PMC8962531

Ambry Genetics
Classification: Uncertain significance for Familial thoracic aortic aneurysm and aortic dissection. Last evaluated: 2022-11-20. Review status: criteria provided, single submitter. Criteria: Ambry Variant Classification Scheme 2023. Collection method: clinical testing. Allele origin: germline.
Comment: The p.E505K variant (also known as c.1513G>A), located in coding exon 12 of the MYH11 gene, results from a G to A substitution at nucleotide position 1513. The glutamic acid at codon 505 is replaced by lysine, an amino acid with similar properties. This amino acid position is conserved. In addition, this alteration is predicted to be deleterious by in silico analysis. Since supporting evidence is limited at this time, the clinical significance of this alteration remains unclear.

NM_002474.3(MYH11):c.1513G>A (p.Glu505Lys)

Gene: MYH11 (myosin heavy chain 11; minus strand). Cytogenetic location: 16p13.11.
Variant type: single nucleotide variant.
Coding change: c.1513G>A on transcript NM_002474.3 (MANE Select); coding-DNA position 1513, G replaced by A.
Protein change: p.Glu505Lys; replaces glutamic acid 505 with lysine.
Molecular consequence: missense variant.
Genome position (GRCh38, 1-based): chr16:15,757,889, C>T on the plus strand (G>A on the coding strand, the complement: MYH11 is on the minus strand). VCF-style: chr16-15757889-C-T. GRCh37 (hg19) VCF-style: chr16-15851746-C-T.
Other names: c.1534G>A, p.Glu512Lys (NM_001040113.2, NM_001040114.2); c.1513G>A, p.Glu505Lys (NM_022844.3); c.1513G>A (NM_002474.2); short protein forms E505K, E512K.
Identifiers: ClinVar variation 924273 (VCV000924273.13), dbSNP rs747217502, ClinGen allele CA394870924.